The following is an entry in ClinVar:

ClinVar aggregate classification (germline): Benign. Review status: criteria provided, multiple submitters, no conflicts (2 of 4 stars). 2 submissions from 2 submitters: Benign (2). Last evaluated 2018-01-13.

Conditions:
Premature ovarian failure 5 (POF5). Identifiers: MedGen C1969060, MONDO:0012689, OMIM 611548.

Allele frequency attached by ClinVar (database versions not stated): 1000 Genomes Project 30x 0.00047; 1000 Genomes Project 0.00060; TOPMed 0.00272; ESP Exome Variant Server 0.00295; gnomAD 0.00295 and 0.00298; gnomAD exomes 0.00313; ExAC 0.00326.
gnomAD v4.1: 5,095 of 1,500,984 alleles (0.34%); highest among the groups gnomAD compares: Middle Eastern, 0.38%; 22 homozygotes.

Submissions (2):

Illumina Laboratory Services, Illumina
Classification: Benign for Premature ovarian failure 5. Last evaluated: 2018-01-13. Review status: criteria provided, single submitter. Criteria: ICSL Variant Classification Criteria 13 December 2019. Collection method: clinical testing. Allele origin: germline.
Comment: This variant was observed in the ICSL laboratory as part of a predisposition screen in an ostensibly healthy population. It had not been previously curated by ICSL or reported in the Human Gene Mutation Database (HGMD: prior to June 1st, 2018), and was therefore a candidate for classification through an automated scoring system. Utilizing variant allele frequency, disease prevalence and penetrance estimates, and inheritance mode, an automated score was calculated to assess if this variant is too frequent to cause the disease. Based on the score and internal cut-off values, a variant classified as benign is not then subjected to further curation. The score for this variant resulted in a classification of benign for this disease.

Breakthrough Genomics
Classification: Benign. Review status: criteria provided, single submitter. Criteria: ACMG Guidelines, 2015. Collection method: not provided. Allele origin: germline. Inheritance: Autosomal dominant inheritance. Affected: yes.

NM_001436401.1(NOBOX):c.38-15G>A

Gene: NOBOX (NOBOX oogenesis homeobox; minus strand). Cytogenetic location: 7q35.
Variant type: single nucleotide variant.
Coding change: c.38-15G>A on transcript NM_001436401.1 (MANE Select); 15 bases into the intron before coding-DNA position 38, G replaced by A.
Molecular consequence: intron variant.
Genome position (GRCh38, 1-based): chr7:144,401,612, C>T on the plus strand (G>A on the coding strand, the complement: NOBOX is on the minus strand). VCF-style: chr7-144401612-C-T. GRCh37 (hg19) VCF-style: chr7-144098705-C-T.
Other names: NM_001080413.3:c.293-15G>A; c.38-1300G>A (NM_001436402.1).
Identifiers: ClinVar variation 359150 (VCV000359150.6), dbSNP rs200651935, ClinGen allele CA4544864.
Genomic context (GRCh38, chr7:144,401,612, plus strand): 5'-TCCTCCCCGGGTCCTGCAGCCAGGGGCTTCTCTCCAGCTTTCTGGCCTGTGGGGAGCCAA[C>T]ATCCACTGACCTTAGCACCAGGGAGAAGGAAGAACTGGACCAAGAGGAAGTGCTGCTTCC-3'